The following is an entry in ClinVar:

ClinVar aggregate classification (germline): Uncertain significance (1 of 4 stars; one submission).

Submission:

GeneDx
Classification: Uncertain significance. Last evaluated: 2025-08-01. Review status: criteria provided, single submitter. Criteria: GeneDx Variant Classification Process June 2021. Collection method: clinical testing. Allele origin: germline. Affected: yes.
Comment: Not observed at significant frequency in large population cohorts (gnomAD); In silico analysis supports that this missense variant has a deleterious effect on protein structure/function; Has not been previously published as pathogenic or benign to our knowledge

NM_181552.4(CUX1):c.3555G>C (p.Met1185Ile)

Gene: CUX1 (cut like homeobox 1; plus strand). Cytogenetic location: 7q22.1.
Variant type: single nucleotide variant.
Coding change: c.3555G>C on transcript NM_181552.4 (MANE Select); coding-DNA position 3555, G replaced by C.
Protein change: p.Met1185Ile; replaces methionine 1185 with isoleucine.
Molecular consequence: missense variant. On other transcripts: intron variant (5).
Genome position (GRCh38, 1-based): chr7:102,234,173, G>C. VCF-style: chr7-102234173-G-C. GRCh37 (hg19) VCF-style: chr7-101877453-G-C.
Other names: c.3588G>C, p.Met1196Ile (NM_001202543.2); c.1255+38570G>C (NM_001913.5); c.1249+38570G>C (NM_181500.4); c.1117+38570G>C (NM_001202545.3); c.1207+38570G>C (NM_001202544.3); c.1138+38570G>C (NM_001202546.3); short protein forms M1185I, M1196I.
Identifiers: ClinVar variation 4690178 (VCV004690178.1).
Genomic context (GRCh38, chr7:102,234,173, plus strand): 5'-TGCCCGCCCCAAACCCTGGCATAAGCTCAGTCTGAAAGGACGAGAGCCCTTCGTCCGGAT[G>C]CAGCTGTGGCTGAACGACCCCAACAATGTGGAGAAGCTGATGGACATGAAACGGATGGAG-3'
Protein context (NP_853530.2, residues 1175-1195): SLKGREPFVR[Met1185Ile]QLWLNDPNNV